The following is an entry in ClinVar:

NM_000179.3(MSH6):c.1274T>C (p.Ile425Thr)

Gene: MSH6 (mutS homolog 6; plus strand). Cytogenetic location: 2p16.3.
Variant type: single nucleotide variant.
Coding change: c.1274T>C on transcript NM_000179.3 (MANE Select); coding-DNA position 1274, T replaced by C.
Protein change: p.Ile425Thr; replaces isoleucine 425 with threonine.
Molecular consequence: missense variant.
Genome position (GRCh38, 1-based): chr2:47,799,257, T>C. VCF-style: chr2-47799257-T-C. GRCh37 (hg19) VCF-style: chr2-48026396-T-C.
Other names: c.884T>C, p.Ile295Thr (NM_001281492.2); c.368T>C, p.Ile123Thr (NM_001281493.2, NM_001281494.2); short protein forms I295T, I425T, I123T.
Identifiers: ClinVar variation 1480387 (VCV001480387.6), dbSNP rs2104332672, ClinGen allele CA346744045.
Genomic context (GRCh38, chr2:47,799,257, plus strand): 5'-CTTGTACTCCTGGGATGAGGAAGTGGTGGCAGATTAAGTCTCAGAACTTTGATCTTGTCA[T>C]CTGTTACAAGGTGGGGAAATTTTATGAGCTGTACCACATGGATGCTCTTATTGGAGTCAG-3'
Protein context (NP_000170.1, residues 415-435): QIKSQNFDLV[Ile425Thr]CYKVGKFYEL

ClinVar aggregate classification (germline): Uncertain significance (1 of 4 stars; one submission).

Conditions:
Hereditary nonpolyposis colorectal neoplasms. Identifiers: MedGen C0009405, MeSH D003123.

Submission:

Labcorp Genetics (formerly Invitae), Labcorp
Classification: Uncertain significance for Hereditary nonpolyposis colorectal neoplasms. Last evaluated: 2024-04-29. Review status: criteria provided, single submitter. Criteria: Invitae Variant Classification Sherloc (09022015). Collection method: clinical testing. Allele origin: germline.
Comment: This sequence change replaces isoleucine, which is neutral and non-polar, with threonine, which is neutral and polar, at codon 425 of the MSH6 protein (p.Ile425Thr). This variant is not present in population databases (gnomAD no frequency). This variant has not been reported in the literature in individuals affected with MSH6-related conditions. ClinVar contains an entry for this variant (Variation ID: 1480387). Advanced modeling of protein sequence and biophysical properties (such as structural, functional, and spatial information, amino acid conservation, physicochemical variation, residue mobility, and thermodynamic stability) performed at Invitae indicates that this missense variant is not expected to disrupt MSH6 protein function with a negative predictive value of 95%. In summary, the available evidence is currently insufficient to determine the role of this variant in disease. Therefore, it has been classified as a Variant of Uncertain Significance.